The following is an entry in ClinVar:

ClinVar aggregate classification (germline): Uncertain significance (1 of 4 stars; one submission).

Conditions:
Autosomal dominant nocturnal frontal lobe epilepsy 5. Also called: Epilepsy, nocturnal frontal lobe, 5; KCNT1-Related Epilepsy; CILIARY DYSKINESIA, PRIMARY, 28, WITHOUT SITUS INVERSUS; CILIARY DYSKINESIA, PRIMARY, 28, WITH SITUS INVERSUS. Identifiers: Orphanet 98784, MedGen C3554306, MONDO:0014002, OMIM 615005.
Developmental and epileptic encephalopathy, 14 (DEE14). Also called: Early infantile epileptic encephalopathy 14. Identifiers: Orphanet 293181, MedGen C3554195, MONDO:0013989, OMIM 614959.

Submission:

Labcorp Genetics (formerly Invitae), Labcorp
Classification: Uncertain significance for Autosomal dominant nocturnal frontal lobe epilepsy 5; Developmental and epileptic encephalopathy, 14. Last evaluated: 2023-10-06. Review status: criteria provided, single submitter. Criteria: Invitae Variant Classification Sherloc (09022015). Collection method: clinical testing. Allele origin: germline.
Comment: This sequence change replaces threonine, which is neutral and polar, with alanine, which is neutral and non-polar, at codon 1176 of the KCNT1 protein (p.Thr1176Ala). This variant is not present in population databases (gnomAD no frequency). This variant has not been reported in the literature in individuals affected with KCNT1-related conditions. Advanced modeling of protein sequence and biophysical properties (such as structural, functional, and spatial information, amino acid conservation, physicochemical variation, residue mobility, and thermodynamic stability) performed at Invitae indicates that this missense variant is not expected to disrupt KCNT1 protein function. In summary, the available evidence is currently insufficient to determine the role of this variant in disease. Therefore, it has been classified as a Variant of Uncertain Significance.

NM_020822.3(KCNT1):c.3526A>G (p.Thr1176Ala)

Gene: KCNT1 (potassium sodium-activated channel subfamily T member 1; plus strand). Cytogenetic location: 9q34.3.
Variant type: single nucleotide variant.
Coding change: c.3526A>G on transcript NM_020822.3 (MANE Select); coding-DNA position 3526, A replaced by G.
Protein change: p.Thr1176Ala; replaces threonine 1176 with alanine.
Molecular consequence: missense variant.
Genome position (GRCh38, 1-based): chr9:135,791,820, A>G. VCF-style: chr9-135791820-A-G. GRCh37 (hg19) VCF-style: chr9-138683666-A-G.
Other names: c.3454A>G, p.Thr1152Ala (NM_001272003.2); short protein forms T1176A, T1152A.
Identifiers: ClinVar variation 2952566 (VCV002952566.3), dbSNP rs1052059776, ClinGen allele CA375493803.